The following is an entry in ClinVar:

ClinVar aggregate classification (germline): Uncertain significance (1 of 4 stars; one submission).

Conditions:
Oligodontia-cancer predisposition syndrome. Also called: TOOTH AGENESIS-COLORECTAL CANCER SYNDROME. Identifiers: Orphanet 300576, MedGen C1837750, MONDO:0012075, OMIM 608615. Disease mechanism: loss of function.

Submission:

Labcorp Genetics (formerly Invitae), Labcorp
Classification: Uncertain significance for Oligodontia-cancer predisposition syndrome. Last evaluated: 2023-12-01. Review status: criteria provided, single submitter. Criteria: Invitae Variant Classification Sherloc (09022015). Collection method: clinical testing. Allele origin: germline.
Comment: This sequence change falls in intron 7 of the AXIN2 gene. It does not directly change the encoded amino acid sequence of the AXIN2 protein. Loss-of-function variants in AXIN2 are known to be pathogenic (PMID: 21416598, 15042511). However, tissue-specific alternative splicing of AXIN2 gene results in functional isoform lacking in-frame exon 7 (also known as exon 6, PMID: 15735151). For this reason the clinical significance of loss of function variants in exon 7 is currently uncertain. This variant is not present in population databases (gnomAD no frequency). This variant has not been reported in the literature in individuals affected with AXIN2-related conditions. Variants that disrupt the consensus splice site are a relatively common cause of aberrant splicing (PMID: 17576681, 9536098). Algorithms developed to predict the effect of sequence changes on RNA splicing suggest that this variant may disrupt the consensus splice site. In summary, the available evidence is currently insufficient to determine the role of this variant in disease. Therefore, it has been classified as a Variant of Uncertain Significance.

Literature cited by the submitters: PubMed 21416598; PubMed 15042511; PubMed 17576681; PubMed 9536098.

NM_004655.4(AXIN2):c.1907+3A>G

Gene: AXIN2 (axin 2; minus strand). Cytogenetic location: 17q24.1.
Variant type: single nucleotide variant.
Coding change: c.1907+3A>G on transcript NM_004655.4 (MANE Select); 3 bases into the intron after coding-DNA position 1907, A replaced by G.
Molecular consequence: intron variant.
Genome position (GRCh38, 1-based): chr17:65,536,866, T>C on the plus strand (A>G on the coding strand, the complement: AXIN2 is on the minus strand). VCF-style: chr17-65536866-T-C. GRCh37 (hg19) VCF-style: chr17-63532984-T-C.
Other names: c.1713-313A>G (NM_001363813.1).
Identifiers: ClinVar variation 2700259 (VCV002700259.3), dbSNP rs2509406413, ClinGen allele CA2697555090.